The following is an entry in ClinVar:

ClinVar aggregate classification (germline): Uncertain significance (1 of 4 stars; one submission).

Conditions:
Cardiovascular phenotype. Identifiers: MedGen CN230736.

Submission:

Ambry Genetics
Classification: Uncertain significance for Cardiovascular phenotype. Last evaluated: 2024-03-28. Review status: criteria provided, single submitter. Criteria: Ambry Variant Classification Scheme 2023. Collection method: clinical testing. Allele origin: germline.
Comment: The p.G332R variant (also known as c.994G>C), located in coding exon 8 of the DSG2 gene, results from a G to C substitution at nucleotide position 994. The glycine at codon 332 is replaced by arginine, an amino acid with dissimilar properties. This amino acid position is conserved. In addition, this alteration is predicted to be deleterious by in silico analysis. Based on the available evidence, the clinical significance of this alteration remains unclear.

NM_001943.5(DSG2):c.994G>C (p.Gly332Arg)

Gene: DSG2 (desmoglein 2; plus strand). Cytogenetic location: 18q12.1.
Variant type: single nucleotide variant.
Coding change: c.994G>C on transcript NM_001943.5 (MANE Select); coding-DNA position 994, G replaced by C.
Protein change: p.Gly332Arg; replaces glycine 332 with arginine.
Molecular consequence: missense variant.
Genome position (GRCh38, 1-based): chr18:31,524,868, G>C. VCF-style: chr18-31524868-G-C. GRCh37 (hg19) VCF-style: chr18-29104831-G-C.
Other names: short protein forms G332R.
Identifiers: ClinVar variation 3273854 (VCV003273854.1).
Genomic context (GRCh38, chr18:31,524,868, plus strand): 5'-TTTGCATCAGGAAATGAAGGAGGTTATTTCCACATAGAAACAGATGCTCAAACTAACGAA[G>C]GAATTGTGACCCTTATTAAGGTAAGTACTAAGTATTCAAAACTGGCGTGGGCCAAGTTGG-3'
Protein context (NP_001934.2, residues 322-342): HIETDAQTNE[Gly332Arg]IVTLIKEVDY